The following is an entry in ClinVar:

NM_001330700.2(TOP2B):c.331+7A>C

Gene: TOP2B (DNA topoisomerase II beta; minus strand). Cytogenetic location: 3p24.2.
Variant type: single nucleotide variant.
Coding change: c.331+7A>C on transcript NM_001330700.2 (MANE Select); 7 bases into the intron after coding-DNA position 331, A replaced by C.
Molecular consequence: intron variant.
Genome position (GRCh38, 1-based): chr3:25,643,687, T>G on the plus strand (A>C on the coding strand, the complement: TOP2B is on the minus strand). VCF-style: chr3-25643687-T-G. GRCh37 (hg19) VCF-style: chr3-25685178-T-G.
Other names: c.316+7A>C (NM_001068.3).
Identifiers: ClinVar variation 4718827 (VCV004718827.1).

ClinVar aggregate classification (germline): Uncertain significance (1 of 4 stars; one submission).

Submission:

Labcorp Genetics (formerly Invitae), Labcorp
Classification: Uncertain significance. Last evaluated: 2025-05-02. Review status: criteria provided, single submitter. Criteria: Invitae Variant Classification Sherloc (09022015). Collection method: clinical testing. Allele origin: germline.
Comment: This sequence change falls in intron 3 of the TOP2B gene. It does not directly change the encoded amino acid sequence of the TOP2B protein. This variant is not present in population databases (gnomAD no frequency). This variant has not been reported in the literature in individuals affected with TOP2B-related conditions. Algorithms developed to predict the effect of sequence changes on RNA splicing suggest that this variant may disrupt the consensus splice site. In summary, the available evidence is currently insufficient to determine the role of this variant in disease. Therefore, it has been classified as a Variant of Uncertain Significance.